The following is an entry in ClinVar:

ClinVar aggregate classification (germline): Uncertain significance (1 of 4 stars; one submission).

Conditions:
Inborn genetic diseases. Identifiers: MedGen C0950123, MeSH D030342.

gnomAD v4.1: 7 of 1,613,850 alleles (0.00043%); highest among the groups gnomAD compares: Non-Finnish European, 0.00051%; no homozygotes.

Submission:

Ambry Genetics
Classification: Uncertain significance for Inborn genetic diseases. Last evaluated: 2026-07-03. Review status: criteria provided, single submitter. Criteria: Ambry Variant Classification Scheme 2023. Collection method: clinical testing. Allele origin: germline.
Comment: The c.472G>A (p.V158M) alteration is located in exon 2 (coding exon 2) of the SLC22A12 gene. This alteration results from a G to A substitution at nucleotide position 472, causing the valine (V) at amino acid position 158 to be replaced by a methionine (M). Based on data from gnomAD, the A allele has an overall frequency of 0.001% (2/251342) total alleles studied. The highest observed frequency was 0.002% (2/113760) of European (non-Finnish) alleles. Based on insufficient or conflicting evidence, the clinical significance of this alteration remains unclear.

NM_144585.4(SLC22A12):c.472G>A (p.Val158Met)

Gene: SLC22A12 (solute carrier family 22 member 12; plus strand). Cytogenetic location: 11q13.1.
Variant type: single nucleotide variant.
Coding change: c.472G>A on transcript NM_144585.4 (MANE Select); coding-DNA position 472, G replaced by A.
Protein change: p.Val158Met; replaces valine 158 with methionine.
Molecular consequence: missense variant. On other transcripts: 5 prime UTR variant (1).
Genome position (GRCh38, 1-based): chr11:64,592,848, G>A. VCF-style: chr11-64592848-G-A. GRCh37 (hg19) VCF-style: chr11-64360320-G-A.
Other names: c.472G>A, p.Val158Met (NM_001276326.2, NM_001276327.2); c.-37G>A (NM_153378.3); short protein forms V158M.
Identifiers: ClinVar variation 5029608 (VCV005029608.1).